The following is an entry in ClinVar:

ClinVar aggregate classification (germline): Uncertain significance (1 of 4 stars; one submission).

Conditions:
Ehlers-Danlos syndrome, type 4 (EDSVASC). Also called: Ehlers-Danlos syndrome vascular type; Ehlers Danlos syndrome, ecchymotic type; Ehlers Danlos syndrome, arterial type; Ehlers Danlos syndrome, Sack-Barabas type; Ehlers-Danlos Syndrome Type IV. Identifiers: Orphanet 286, MedGen C0268338, MONDO:0017314, OMIM 130050.

gnomAD v4.1: 1 of 1,567,262 alleles (0.000064%); highest among the groups gnomAD compares: East Asian, 0.0024%; no homozygotes.

Submission:

Labcorp Genetics (formerly Invitae), Labcorp
Classification: Uncertain significance for Ehlers-Danlos syndrome, type 4. Last evaluated: 2025-08-17. Review status: criteria provided, single submitter. Criteria: Invitae Variant Classification Sherloc (09022015). Collection method: clinical testing. Allele origin: germline.
Comment: This sequence change replaces proline, which is neutral and non-polar, with leucine, which is neutral and non-polar, at codon 524 of the COL3A1 protein (p.Pro524Leu). This variant is present in population databases (no rsID available, gnomAD 0.06%). This variant has not been reported in the literature in individuals affected with COL3A1-related conditions. Invitae Evidence Modeling of protein sequence and biophysical properties (such as structural, functional, and spatial information, amino acid conservation, physicochemical variation, residue mobility, and thermodynamic stability) indicates that this missense variant is not expected to disrupt COL3A1 protein function with a negative predictive value of 95%. In summary, the available evidence is currently insufficient to determine the role of this variant in disease. Therefore, it has been classified as a Variant of Uncertain Significance.

NM_000090.4(COL3A1):c.1571C>T (p.Pro524Leu)

Gene: COL3A1 (collagen type III alpha 1 chain; plus strand). Cytogenetic location: 2q32.2.
Variant type: single nucleotide variant.
Coding change: c.1571C>T on transcript NM_000090.4 (MANE Select); coding-DNA position 1571, C replaced by T.
Protein change: p.Pro524Leu; replaces proline 524 with leucine.
Molecular consequence: missense variant.
Genome position (GRCh38, 1-based): chr2:188,995,753, C>T. VCF-style: chr2-188995753-C-T. GRCh37 (hg19) VCF-style: chr2-189860479-C-T.
Other names: short protein forms P524L.
Identifiers: ClinVar variation 4751186 (VCV004751186.1).